The following is an entry in ClinVar:

NM_017617.5(NOTCH1):c.1701C>G (p.Ile567Met)

Gene: NOTCH1 (notch receptor 1; minus strand). Cytogenetic location: 9q34.3.
Variant type: single nucleotide variant.
Coding change: c.1701C>G on transcript NM_017617.5 (MANE Select); coding-DNA position 1701, C replaced by G.
Protein change: p.Ile567Met; replaces isoleucine 567 with methionine.
Molecular consequence: missense variant.
Genome position (GRCh38, 1-based): chr9:136,515,685, G>C on the plus strand (C>G on the coding strand, the complement: NOTCH1 is on the minus strand). VCF-style: chr9-136515685-G-C. GRCh37 (hg19) VCF-style: chr9-139410137-G-C.
Other names: c.1701C>G, p.Ile567Met (LRG_1122t1); short protein forms I567M.
Identifiers: ClinVar variation 263914 (VCV000263914.10), dbSNP rs773932034, ClinGen allele CA10587671.

ClinVar aggregate classification (germline): Uncertain significance. Review status: criteria provided, multiple submitters, no conflicts (2 of 4 stars). 2 submissions from 2 submitters: Uncertain significance (2). Last evaluated 2025-06-09.

Conditions:
Adams-Oliver syndrome 5 (AOS5). Identifiers: Orphanet 974, MedGen C4014970, MONDO:0014459, OMIM 616028.
Familial thoracic aortic aneurysm and aortic dissection (TAAD). Also called: Thoracic aortic aneurysms and dissections. Identifiers: Orphanet 91387, MedGen C4707243, MONDO:0019625.

gnomAD v4.1: 25 of 1,554,754 alleles (0.0016%); highest among the groups gnomAD compares: Non-Finnish European, 0.0022%; no homozygotes.

Submissions (2):

Labcorp Genetics (formerly Invitae), Labcorp
Classification: Uncertain significance for Adams-Oliver syndrome 5. Last evaluated: 2025-06-09. Review status: criteria provided, single submitter. Criteria: Invitae Variant Classification Sherloc (09022015). Collection method: clinical testing. Allele origin: germline.
Comment: This sequence change replaces isoleucine, which is neutral and non-polar, with methionine, which is neutral and non-polar, at codon 567 of the NOTCH1 protein (p.Ile567Met). This variant is not present in population databases (gnomAD no frequency). This variant has not been reported in the literature in individuals affected with NOTCH1-related conditions. ClinVar contains an entry for this variant (Variation ID: 263914). Invitae Evidence Modeling of protein sequence and biophysical properties (such as structural, functional, and spatial information, amino acid conservation, physicochemical variation, residue mobility, and thermodynamic stability) indicates that this missense variant is not expected to disrupt NOTCH1 protein function with a negative predictive value of 95%. In summary, the available evidence is currently insufficient to determine the role of this variant in disease. Therefore, it has been classified as a Variant of Uncertain Significance.

Ambry Genetics
Classification: Uncertain significance for Familial thoracic aortic aneurysm and aortic dissection. Last evaluated: 2015-02-23. Review status: criteria provided, single submitter. Criteria: Ambry Variant Classification Scheme 2023. Collection method: clinical testing. Allele origin: germline.
Comment: The p.I567M variant (also known as c.1701C>G), located in coding exon 11 of the NOTCH1 gene, results from a C to G substitution at nucleotide position 1701. The isoleucine at codon 567 is replaced by methionine, an amino acid with highly similar properties. This variant was not reported in population based cohorts in the following databases: Database of Single Nucleotide Polymorphisms (dbSNP), NHLBI Exome Sequencing Project (ESP), and 1000 Genomes Project. In the ESP, this variant was not observed in 6327 samples (12654 alleles) with coverage at this position. This amino acid position is well conserved in available vertebrate species. In addition, this alteration is predicted to be tolerated by in silico analysis. Since supporting evidence is limited at this time, the clinical significance of this variant remains unclear.